The following is an entry in ClinVar:

ClinVar aggregate classification (germline): Likely benign (1 of 4 stars; one submission).

Submission:

GeneDx
Classification: Likely benign. Last evaluated: 2022-02-17. Review status: criteria provided, single submitter. Criteria: GeneDx Variant Classification Process June 2021. Collection method: clinical testing. Allele origin: germline. Affected: yes.
Comment: See Variant Classification Assertion Criteria.

NM_000722.4(CACNA2D1):c.879+212del

Gene: CACNA2D1 (calcium voltage-gated channel auxiliary subunit alpha2delta 1; minus strand). Cytogenetic location: 7q21.11.
Variant type: Deletion.
Coding change: c.879+212del on transcript NM_000722.4 (MANE Select); 212 bases into the intron after coding-DNA position 879, one base deleted (T; older notation c.879+212delT).
Molecular consequence: intron variant.
Genome position (GRCh38, 1-based): chr7:82,060,216, A deleted on the plus strand (T on the coding strand, the reverse complement: CACNA2D1 is on the minus strand). VCF-style (leftmost placement, unchanged base first): chr7-82060215-TA-T. GRCh37 (hg19) VCF-style: chr7-81689531-TA-T.
Other names: c.879+212del (NM_001366867.1, NM_001302890.2).
Identifiers: ClinVar variation 1702749 (VCV001702749.2), dbSNP rs1562982268, ClinGen allele CA575932316.